The following continues an entry in ClinVar:

NM_000492.4(CFTR):c.579+1G>T

Gene: CFTR. ClinVar aggregate classification (germline): Pathogenic. Pathogenic (1).

Submissions 12 to 24 of 24:

3billion
Classification: Pathogenic for Cystic fibrosis. Last evaluated: 2024-10-07. Review status: criteria provided, single submitter. Criteria: ACMG Guidelines, 2015. Collection method: clinical testing. Allele origin: germline. Affected: yes. Not counted in ClinVar's aggregate classification.
Comment: The variant is observed at an extremely low frequency in the gnomAD v4.1.0 dataset (total allele frequency: 0.004%). Predicted Consequence/Location: Canonical splice site: predicted to alter splicing and result in a loss or disruption of normal protein function. Multiple pathogenic loss-of-function variants are reported downstream of the variant. In silico tools predict the variant to alter splicing and produce an abnormal transcript [SpliceAI: 1.00 (spliceogenicity >=0.2, non-spliceogenicity <0.1)]. The variant has been reported multiple times as an established pathogenic variant (ClinVar ID: VCV000038494 /PMID: 1710599). Therefore, this variant is classified as Pathogenic according to the recommendation of ACMG/AMP guideline.

Baylor Genetics
Classification: Pathogenic for Bronchiectasis with or without elevated sweat chloride 1. Last evaluated: 2024-01-03. Review status: criteria provided, single submitter. Criteria: ACMG Guidelines, 2015. Collection method: clinical testing. Allele origin: unknown. Not counted in ClinVar's aggregate classification.

Blueprint Genetics
Classification: Pathogenic for CFTR-related disorders. Last evaluated: 2023-10-23. Review status: criteria provided, single submitter. Criteria: ACMG Guidelines, 2015. Collection method: clinical testing. Allele origin: germline. Affected: yes. Observed: 5 variant alleles. Not counted in ClinVar's aggregate classification.

Mayo Clinic Laboratories, Mayo Clinic
Classification: Pathogenic. Last evaluated: 2022-01-31. Review status: criteria provided, single submitter. Criteria: ACMG Guidelines, 2015. Collection method: clinical testing. Allele origin: germline. Observed: 3 variant alleles. Not counted in ClinVar's aggregate classification.

Myriad Genetics, Inc.
Classification: Pathogenic for Cystic fibrosis. Last evaluated: 2019-11-11. Review status: criteria provided, single submitter. Criteria: Myriad Women's Health Autosomal Recessive and X-Linked Classification Criteria (2019). Collection method: clinical testing. Allele origin: unknown. Not counted in ClinVar's aggregate classification.
Comment: NM_000492.3(CFTR):c.579+1G>T(aka 711+1G>T) is classified as pathogenic in the context of cystic fibrosis and is associated with the classic form of disease. Sources cited for classification include the following: PMID 23974870. Classification of NM_000492.3(CFTR):c.579+1G>T(aka 711+1G>T) is based on the following criteria: The variant is located at a canonical splice site, is expected to disrupt gene function and is reported in individuals with the relevant phenotype. Please note: this variant was assessed in the context of healthy population screening.â€šÃ„Ã¶âˆšÃ‘âˆšÂ£

Mendelics
Classification: Pathogenic for Cystic fibrosis. Last evaluated: 2018-11-05. Review status: criteria provided, single submitter. Criteria: Mendelics Assertion Criteria 2017. Collection method: clinical testing. Allele origin: unknown. Affected: yes. Not counted in ClinVar's aggregate classification.

Women's Health and Genetics/Laboratory Corporation of America, LabCorp
Classification: Pathogenic. Last evaluated: 2018-03-19. Review status: criteria provided, single submitter. Criteria: LabCorp Variant Classification Summary - May 2015. Collection method: clinical testing. Allele origin: germline. Not counted in ClinVar's aggregate classification.
Comment: Variant summary: CFTR c.579+1G>T is located in a canonical splice-site and is predicted to affect mRNA splicing resulting in a significantly altered protein due to either exon skipping, shortening, or inclusion of intronic material. Several computational tools predict a significant impact on normal splicing: Five predict the variant abolishes a 5' splicing donor site and one predicts the variant abolishes a 3' acceptor site. However, these predictions have yet to be confirmed by functional studies. The variant allele was found at a frequency of 4e-05 in 275871 control chromosomes (gnomAD and publications). c.579+1G>T has been reported in the literature in multiple individuals affected with Classic Cystic Fibrosis (McKone_2003, Zielenski_1991, Sosnay_2013). These data indicate that the variant is very likely to be associated with disease. To our knowledge, no experimental evidence demonstrating an impact on protein function has been reported. Four diagnostic laboratories have submitted clinical-significance assessments for this variant to ClinVar after 2014, and all classified the variant as pathogenic. Based on the evidence outlined above, the variant was classified as pathogenic.

CFTR-France
Classification: Pathogenic for cystic fibrosis. Last evaluated: 2018-01-29. Review status: criteria provided, single submitter. Criteria: Claustres M et al. (Hum Mutat 2017). Collection method: curation. Allele origin: germline. Affected: yes. Not counted in ClinVar's aggregate classification.

Eurofins Ntd Llc (ga)
Classification: Pathogenic. Last evaluated: 2016-05-19. Review status: criteria provided, single submitter. Criteria: EGL Classification Definitions 2015. Collection method: clinical testing. Allele origin: germline. Observed: 1 variant allele, 1 heterozygote. Not counted in ClinVar's aggregate classification.

Baylor Genetics
Classification: Pathogenic for Congenital bilateral aplasia of vas deferens from CFTR mutation; Cystic fibrosis. Review status: criteria provided, single submitter. Criteria: ACMG Guidelines, 2015. Collection method: clinical testing. Allele origin: germline. Not counted in ClinVar's aggregate classification.

Clinical Genetics DNA and cytogenetics Diagnostics Lab, Erasmus MC, Erasmus Medical Center
Classification: Pathogenic. Review status: no assertion criteria provided. Collection method: clinical testing. Allele origin: germline. Affected: yes. Study: VKGL Data-share Consensus. Not counted in ClinVar's aggregate classification.

Diagnostic Laboratory, Department of Genetics, University Medical Center Groningen
Classification: Pathogenic. Review status: no assertion criteria provided. Collection method: clinical testing. Allele origin: germline. Affected: yes. Study: VKGL Data-share Consensus. Not counted in ClinVar's aggregate classification.

GeneReviews
No classification provided. Condition: Cystic fibrosis. Review status: no classification provided. Collection method: literature only. Allele origin: unknown. Not counted in ClinVar's aggregate classification.

Literature cited by the submitters: PMC 3110945 (cited by American College of Medical Genetics and Genomics  (ACMG)); PubMed 25336128 (cited by Dasa and Quest Diagnostics Nichols Institute San Juan Capistrano); PubMed 27738188 (cited by Dasa); PubMed 20880762 (cited by 3 submitters); PubMed 31523618 (cited by Natera, Inc. and Quest Diagnostics Nichols Institute San Juan Capistrano); PubMed 32026723 (cited by Natera, Inc.); PubMed 16199547 (cited by Labcorp Genetics (formerly Invitae), Labcorp); PubMed 1695717 (cited by Labcorp Genetics (formerly Invitae), Labcorp); PubMed 7691345 (cited by Labcorp Genetics (formerly Invitae), Labcorp); PubMed 9725922 (cited by Labcorp Genetics (formerly Invitae), Labcorp); PubMed 1710599 (cited by 4 submitters); PubMed 23974870 (cited by 4 submitters); PubMed 31589614 (cited by Quest Diagnostics Nichols Institute San Juan Capistrano); PubMed 15371902 (cited by Quest Diagnostics Nichols Institute San Juan Capistrano and GeneReviews); PubMed 12767731 (cited by 3 submitters); PubMed 31036917 (cited by Quest Diagnostics Nichols Institute San Juan Capistrano); PubMed 28603918 (cited by Quest Diagnostics Nichols Institute San Juan Capistrano and Ambry Genetics); PubMed 22975760 (cited by Quest Diagnostics Nichols Institute San Juan Capistrano); PubMed 17572159 (cited by Quest Diagnostics Nichols Institute San Juan Capistrano); PubMed 35573065 (cited by Quest Diagnostics Nichols Institute San Juan Capistrano); PubMed 18456578 (cited by Quest Diagnostics Nichols Institute San Juan Capistrano); PubMed 21520337 (cited by Quest Diagnostics Nichols Institute San Juan Capistrano and Ambry Genetics); PubMed 22020151 (cited by Quest Diagnostics Nichols Institute San Juan Capistrano); PubMed 30602999 (cited by Quest Diagnostics Nichols Institute San Juan Capistrano); PubMed 11280952 (cited by Quest Diagnostics Nichols Institute San Juan Capistrano); PubMed 21416780 (cited by Quest Diagnostics Nichols Institute San Juan Capistrano); PubMed 15994263 (cited by Quest Diagnostics Nichols Institute San Juan Capistrano); PubMed 7689008 (cited by Quest Diagnostics Nichols Institute San Juan Capistrano); PubMed 15371903 (cited by Quest Diagnostics Nichols Institute San Juan Capistrano); PubMed 17329263 (cited by Quest Diagnostics Nichols Institute San Juan Capistrano); PubMed 22658665 (cited by Ambry Genetics); PubMed 20301428 (cited by GeneReviews).